The following is an entry in ClinVar:

ClinVar aggregate classification (germline): Uncertain significance (1 of 4 stars; one submission).

Conditions:
Atrioventricular septal defect 5 (AVSD5). Identifiers: MedGen C3280939, MONDO:0013769, OMIM 614474.

gnomAD v4.1: 6 of 1,593,612 alleles (0.00038%); highest among the groups gnomAD compares: East Asian, 0.0067%; no homozygotes.

Submission:

Labcorp Genetics (formerly Invitae), Labcorp
Classification: Uncertain significance for Atrioventricular septal defect 5. Last evaluated: 2025-08-29. Review status: criteria provided, single submitter. Criteria: Invitae Variant Classification Sherloc (09022015). Collection method: clinical testing. Allele origin: germline.
Comment: This sequence change replaces glycine, which is neutral and non-polar, with serine, which is neutral and polar, at codon 49 of the GATA6 protein (p.Gly49Ser). This variant is present in population databases (no rsID available, gnomAD 0.06%). This missense change has been observed in individual(s) with clinical features of maturity onset diabetes of the young (PMID: 27185633). An algorithm developed to predict the effect of missense changes on protein structure and function (PolyPhen-2) suggests that this variant is likely to be disruptive. In summary, the available evidence is currently insufficient to determine the role of this variant in disease. Therefore, it has been classified as a Variant of Uncertain Significance.

Literature cited by the submitters: PubMed 27185633.

NM_005257.6(GATA6):c.145G>A (p.Gly49Ser)

Gene: GATA6 (GATA binding protein 6; plus strand). Cytogenetic location: 18q11.2.
Variant type: single nucleotide variant.
Coding change: c.145G>A on transcript NM_005257.6 (MANE Select); coding-DNA position 145, G replaced by A.
Protein change: p.Gly49Ser; replaces glycine 49 with serine.
Molecular consequence: missense variant.
Genome position (GRCh38, 1-based): chr18:22,171,289, G>A. VCF-style: chr18-22171289-G-A. GRCh37 (hg19) VCF-style: chr18-19751250-G-A.
Other names: short protein forms G49S.
Identifiers: ClinVar variation 4710443 (VCV004710443.1).